The following is an entry in ClinVar:

ClinVar aggregate classification (germline): Benign/Likely benign. Review status: criteria provided, multiple submitters, no conflicts (2 of 4 stars). 5 submissions from 5 submitters: Benign (2); Likely benign (3). Last evaluated 2026-02-01.

Allele frequency attached by ClinVar (database versions not stated): 1000 Genomes Project 30x 0.00656; 1000 Genomes Project 0.00739; gnomAD 0.00901 and 0.00944; TOPMed 0.00938; ESP Exome Variant Server 0.01099; gnomAD exomes 0.01166 and 0.01292; ExAC 0.01196.
gnomAD v4.1: 20,312 of 1,609,042 alleles (1.3%); highest among the groups gnomAD compares: South Asian, 2.1%; 171 homozygotes.

Submissions (5):

Labcorp Genetics (formerly Invitae), Labcorp
Classification: Benign. Last evaluated: 2026-02-01. Review status: criteria provided, single submitter. Criteria: Invitae Variant Classification Sherloc (09022015). Collection method: clinical testing. Allele origin: germline.

Mayo Clinic Laboratories, Mayo Clinic
Classification: Benign. Last evaluated: 2024-12-26. Review status: criteria provided, single submitter. Criteria: ACMG Guidelines, 2015. Collection method: clinical testing. Allele origin: germline. Observed: 1 variant allele.
Comment: BS1, BS2, BP4, BP7

Blueprint Genetics
Classification: Likely benign. Last evaluated: 2024-11-25. Review status: criteria provided, single submitter. Criteria: ACMG Guidelines, 2015. Collection method: clinical testing. Allele origin: germline.

GeneDx
Classification: Likely benign. Last evaluated: 2021-11-08. Review status: criteria provided, single submitter. Criteria: GeneDx Variant Classification Process June 2021. Collection method: clinical testing. Allele origin: germline. Affected: yes.

Breakthrough Genomics
Classification: Likely benign. Review status: criteria provided, single submitter. Criteria: ACMG Guidelines, 2015. Collection method: not provided. Allele origin: germline. Inheritance: Autosomal recessive inheritance. Affected: yes.

NM_020401.4(NUP107):c.2115C>T (p.His705=)

Gene: NUP107 (nucleoporin 107; plus strand). Cytogenetic location: 12q15.
Variant type: single nucleotide variant.
Coding change: c.2115C>T on transcript NM_020401.4 (MANE Select); coding-DNA position 2115, C replaced by T.
Protein change: p.His705=; no amino-acid change (histidine 705 retained).
Molecular consequence: synonymous variant.
Genome position (GRCh38, 1-based): chr12:68,733,465, C>T. VCF-style: chr12-68733465-C-T. GRCh37 (hg19) VCF-style: chr12-69127245-C-T.
Other names: p.His705=; c.2028C>T, p.His676= (NM_001330192.2).
Identifiers: ClinVar variation 1215506 (VCV001215506.16), dbSNP rs34342902, ClinGen allele CA6678054.
Genomic context (GRCh38, chr12:68,733,465, plus strand): 5'-TACAGAGAAGTCCGTAGGCATTCAAAATTGTGTATCTTTTTTCACAGCATCAAAAAAGCA[C>T]GAAGCTGCAAAAGAAGTATTTGTGAAAATTCCTCAGGATTCTATAGCAGAAATCTATAAT-3'
Protein context (NP_065134.1, residues 695-715): IMRKFLASKK[His705=]EAAKEVFVKI